The following is an entry in ClinVar:

ClinVar aggregate classification (germline): Likely pathogenic (1 of 4 stars; one submission).

Submission:

Dasa
Classification: Likely pathogenic. Last evaluated: 2026-02-23. Review status: criteria provided, single submitter. Criteria: DASA Assertion Criteria. Collection method: clinical testing. Allele origin: germline.
Comment: NM_018192.4(P3H2):c.492_501del (p.Glu165Trpfs*36) is a frameshift variant in P3H2 predicted to alter the reading frame and introduce a premature termination codon and is predicted to result in an absent or altered protein product. Loss of function is an established disease mechanism for P3H2-associated disorders. Also, this variant is rare in population databases. Based on the currently available evidence, this variant is classified as likely pathogenic.

NM_018192.4(P3H2):c.492_501del (p.Glu165fs)

Gene: P3H2 (prolyl 3-hydroxylase 2; minus strand). Cytogenetic location: 3q28.
Variant type: Deletion.
Coding change: c.492_501del on transcript NM_018192.4 (MANE Select); coding-DNA positions 492 to 501, 10 bases deleted (CGAAAAAGCA; older notation c.492_501delCGAAAAAGCA).
Protein change: p.Glu165fs; shifts the reading frame from glutamic acid 165.
Molecular consequence: frameshift variant. On other transcripts: 5 prime UTR variant (1).
Genome position (GRCh38, 1-based): chr3:189,995,422-189,995,431, TGCTTTTTCG deleted on the plus strand (CGAAAAAGCA on the coding strand, the reverse complement: P3H2 is on the minus strand). VCF-style (leftmost placement, unchanged base first): chr3-189995421-CTGCTTTTTCG-C. GRCh37 (hg19) VCF-style: chr3-189713210-CTGCTTTTTCG-C.
Other names: c.-52_-43del (NM_001134418.2); short protein forms E165fs.
Identifiers: ClinVar variation 4886583 (VCV004886583.2).